The following is an entry in ClinVar:

ClinVar aggregate classification (germline): Uncertain significance (1 of 4 stars; one submission).

Conditions:
Inherited obesity. Also called: Monogenic Obesity. Identifiers: Orphanet 77828, MedGen C4054476, MONDO:0019182, OMIM 601665.

Allele frequency attached by ClinVar (database versions not stated): gnomAD exomes below 0.00001; TOPMed below 0.00001; gnomAD 0.00001.
gnomAD v4.1: 3 of 1,614,196 alleles (0.00019%); highest among the groups gnomAD compares: Non-Finnish European, 0.00025%; no homozygotes.

Submission:

Clinical Genomics Laboratory, Washington University in St. Louis
Classification: Uncertain significance for Inherited obesity. Last evaluated: 2024-02-04. Review status: criteria provided, single submitter. Criteria: ACMG Guidelines, 2015. Collection method: clinical testing. Allele origin: germline.
Comment: The UCP3 c.383C>G (p.Ala128Asp) variant, to our knowledge, has not been reported in the medical literature and is absent from the general population (gnomAD v.2.1.1), indicating it is not a common variant. Computational predictors indicate that the variant is damaging, evidence that correlates with impact to UCP3 function. Due to limited information, and based on ACMG/AMP guidelines for variant interpretation (Richards S et al., PMID: 25741868), the clinical significance of this variant is uncertain at this time.

NM_003356.4(UCP3):c.383C>A (p.Ala128Asp)

Gene: UCP3 (uncoupling protein 3; minus strand). Cytogenetic location: 11q13.4.
Variant type: single nucleotide variant.
Coding change: c.383C>A on transcript NM_003356.4 (MANE Select); coding-DNA position 383, C replaced by A.
Protein change: p.Ala128Asp; replaces alanine 128 with aspartic acid.
Molecular consequence: missense variant.
Genome position (GRCh38, 1-based): chr11:74,005,888, G>T on the plus strand (C>A on the coding strand, the complement: UCP3 is on the minus strand). VCF-style: chr11-74005888-G-T. GRCh37 (hg19) VCF-style: chr11-73716933-G-T.
Other names: c.383C>A, p.Ala128Asp (NM_022803.3); short protein forms A128D.
Identifiers: ClinVar variation 3236569 (VCV003236569.1), dbSNP rs747884430, ClinGen allele CA224484155.